The following is an entry in ClinVar:

ClinVar aggregate classification (germline): Benign. Review status: criteria provided, single submitter (1 of 4 stars). 2 submissions from 2 submitters: Benign (1). 1 of the submissions does not count toward it. Last evaluated 2022-06-08.

Conditions:
SLC1A2-related disorder. Also called: SLC1A2-related condition.

gnomAD v4.1: 1 of 1,565,730 alleles (0.000064%); highest among the groups gnomAD compares: East Asian, 0.0024%; no homozygotes.

Submissions (2):

Labcorp Genetics (formerly Invitae), Labcorp
Classification: Benign. Last evaluated: 2022-06-08. Review status: criteria provided, single submitter. Criteria: Invitae Variant Classification Sherloc (09022015). Collection method: clinical testing. Allele origin: germline.

PreventionGenetics, part of Exact Sciences
Classification: Uncertain significance for SLC1A2-related condition. Last evaluated: 2024-05-04. Review status: no assertion criteria provided. Collection method: clinical testing. Allele origin: germline. Not counted in ClinVar's aggregate classification.
Comment: The SLC1A2 c.17G>T variant is predicted to result in the amino acid substitution p.Gly6Val. To our knowledge, this variant has not been reported in the literature or in a large population database, indicating this variant is rare. At this time, the clinical significance of this variant is uncertain due to the absence of conclusive functional and genetic evidence.

NM_004171.4(SLC1A2):c.17G>T (p.Gly6Val)

Gene: SLC1A2 (solute carrier family 1 member 2; minus strand). Cytogenetic location: 11p13.
Variant type: single nucleotide variant.
Coding change: c.17G>T on transcript NM_004171.4 (MANE Select); coding-DNA position 17, G replaced by T.
Protein change: p.Gly6Val; replaces glycine 6 with valine.
Molecular consequence: missense variant. On other transcripts: intron variant (2).
Genome position (GRCh38, 1-based): chr11:35,418,950, C>A on the plus strand (G>T on the coding strand, the complement: SLC1A2 is on the minus strand). VCF-style: chr11-35418950-C-A. GRCh37 (hg19) VCF-style: chr11-35440497-C-A.
Other names: c.17G>T (NM_004171.3); c.-130+986G>T (NM_001195728.3); c.-167+958G>T (NM_001252652.2); short protein forms G6V.
Identifiers: ClinVar variation 2071320 (VCV002071320.5), dbSNP rs1227601469, ClinGen allele CA380127184.
Genomic context (GRCh38, chr11:35,418,950, plus strand): 5'-GGCGCCACCACCCCGCGCGTGACCCCGCTTTCCCGCGGGTACAGATAAAAATCCCCTCAC[C>A]CTTCCGTAGATGCCATGGTCTGGGGAACGCCCCCTCCTCTTCAGCACTATCCGGCAGCTG-3'
Protein context (NP_004162.2, residues 1-16): MASTE[Gly6Val]ANNMPKQVEV